The following is an entry in ClinVar:

NM_032043.3(BRIP1):c.3458A>G (p.Asp1153Gly)

Gene: BRIP1 (BRCA1 interacting DNA helicase 1; minus strand). Cytogenetic location: 17q23.2.
Variant type: single nucleotide variant.
Coding change: c.3458A>G on transcript NM_032043.3 (MANE Select); coding-DNA position 3458, A replaced by G.
Protein change: p.Asp1153Gly; replaces aspartic acid 1153 with glycine.
Molecular consequence: missense variant.
Genome position (GRCh38, 1-based): chr17:61,683,588, T>C on the plus strand (A>G on the coding strand, the complement: BRIP1 is on the minus strand). VCF-style: chr17-61683588-T-C. GRCh37 (hg19) VCF-style: chr17-59760949-T-C.
Other names: short protein forms D1153G.
Identifiers: ClinVar variation 658027 (VCV000658027.9), dbSNP rs1603275027, ClinGen allele CA400478682.

ClinVar aggregate classification (germline): Uncertain significance (1 of 4 stars; one submission).

Conditions:
Fanconi anemia complementation group J. Also called: BRIP1-Related Fanconi Anemia. Identifiers: Orphanet 84, MedGen C1836860, MONDO:0012187, OMIM 609054.
Familial cancer of breast. Also called: hereditary breast carcinoma; Hereditary breast cancer; BREAST CANCER, FAMILIAL. Identifiers: Orphanet 227535, MedGen C0346153, MONDO:0016419, OMIM 114480. Disease mechanism: loss of function.

Submission:

Labcorp Genetics (formerly Invitae), Labcorp
Classification: Uncertain significance for Familial cancer of breast; Fanconi anemia complementation group J. Last evaluated: 2024-10-31. Review status: criteria provided, single submitter. Criteria: Invitae Variant Classification Sherloc (09022015). Collection method: clinical testing. Allele origin: germline.
Comment: This sequence change replaces aspartic acid, which is acidic and polar, with glycine, which is neutral and non-polar, at codon 1153 of the BRIP1 protein (p.Asp1153Gly). This variant is not present in population databases (gnomAD no frequency). This variant has not been reported in the literature in individuals affected with BRIP1-related conditions. ClinVar contains an entry for this variant (Variation ID: 658027). Invitae Evidence Modeling of protein sequence and biophysical properties (such as structural, functional, and spatial information, amino acid conservation, physicochemical variation, residue mobility, and thermodynamic stability) indicates that this missense variant is not expected to disrupt BRIP1 protein function with a negative predictive value of 95%. In summary, the available evidence is currently insufficient to determine the role of this variant in disease. Therefore, it has been classified as a Variant of Uncertain Significance.